The following is an entry in ClinVar:

ClinVar aggregate classification (germline): Benign (1 of 4 stars; one submission).

Allele frequency attached by ClinVar (database versions not stated): gnomAD 0.04554 and 0.04884; 1000 Genomes Project 0.04593; TOPMed 0.05149; 1000 Genomes Project 30x 0.05200.
gnomAD v4.1: 6,800 of 150,994 alleles (4.5%); highest among the groups gnomAD compares: African/African-American, 16%; 513 homozygotes.

Submission:

GeneDx
Classification: Benign. Last evaluated: 2018-06-14. Review status: criteria provided, single submitter. Criteria: GeneDx Variant Classification (06012015). Collection method: clinical testing. Allele origin: germline. Affected: yes.
Comment: This variant is considered likely benign or benign based on one or more of the following criteria: it is a conservative change, it occurs at a poorly conserved position in the protein, it is predicted to be benign by multiple in silico algorithms, and/or has population frequency not consistent with disease.

NM_003283.6(TNNT1):c.388-260C>G

Gene: TNNT1 (troponin T1, slow skeletal type; minus strand). Cytogenetic location: 19q13.42.
Variant type: single nucleotide variant.
Coding change: c.388-260C>G on transcript NM_003283.6 (MANE Select); 260 bases into the intron before coding-DNA position 388, C replaced by G.
Molecular consequence: intron variant.
Genome position (GRCh38, 1-based): chr19:55,138,334, G>C on the plus strand (C>G on the coding strand, the complement: TNNT1 is on the minus strand). VCF-style: chr19-55138334-G-C. GRCh37 (hg19) VCF-style: chr19-55649702-G-C.
Other names: c.355-260C>G (NM_001126133.3, NM_001291774.2); c.388-260C>G (NM_001126132.3).
Identifiers: ClinVar variation 672736 (VCV000672736.1), dbSNP rs145419596, ClinGen allele CA310132461.